The following is an entry in ClinVar:

NM_004795.4(KL):c.2296G>T (p.Gly766Cys)

Gene: KL (klotho; plus strand). Cytogenetic location: 13q13.1.
Variant type: single nucleotide variant.
Coding change: c.2296G>T on transcript NM_004795.4 (MANE Select); coding-DNA position 2296, G replaced by T.
Protein change: p.Gly766Cys; replaces glycine 766 with cysteine.
Molecular consequence: missense variant.
Genome position (GRCh38, 1-based): chr13:33,061,375, G>T. VCF-style: chr13-33061375-G-T. GRCh37 (hg19) VCF-style: chr13-33635512-G-T.
Other names: short protein forms G766C.
Identifiers: ClinVar variation 4777417 (VCV004777417.1).
Genomic context (GRCh38, chr13:33,061,375, plus strand): 5'-AAAGAGGTGGCTGAGAGAGTTTTGGAATTTGACATTGGCTGGCTGGCTGAGCCCATTTTC[G>T]GCTCTGGAGATTATCCATGGGTGATGAGGGACTGGCTGAACCAAAGAAACAATTTTCTTC-3'
Protein context (NP_004786.2, residues 756-776): DIGWLAEPIF[Gly766Cys]SGDYPWVMRD

ClinVar aggregate classification (germline): Uncertain significance (1 of 4 stars; one submission).

Submission:

Labcorp Genetics (formerly Invitae), Labcorp
Classification: Uncertain significance. Last evaluated: 2025-05-07. Review status: criteria provided, single submitter. Criteria: Invitae Variant Classification Sherloc (09022015). Collection method: clinical testing. Allele origin: germline.
Comment: This sequence change replaces glycine, which is neutral and non-polar, with cysteine, which is neutral and slightly polar, at codon 766 of the KL protein (p.Gly766Cys). This variant is present in population databases (rs114752661, gnomAD 0.008%). This variant has not been reported in the literature in individuals affected with KL-related conditions. Invitae Evidence Modeling of protein sequence and biophysical properties (such as structural, functional, and spatial information, amino acid conservation, physicochemical variation, residue mobility, and thermodynamic stability) has been performed for this missense variant. However, the output from this modeling did not meet the statistical confidence thresholds required to predict the impact of this variant on KL protein function. In summary, the available evidence is currently insufficient to determine the role of this variant in disease. Therefore, it has been classified as a Variant of Uncertain Significance.